The following is an entry in ClinVar:

NM_203288.2(RP9):c.106C>T (p.Arg36Ter)

Genes: RP9 (RP9 pre-mRNA splicing factor; minus strand), LOC129998224 (ATAC-STARR-seq lymphoblastoid silent region 18089; plus strand). Cytogenetic location: 7p14.3.
Variant type: single nucleotide variant.
Coding change: c.106C>T on transcript NM_203288.2 (MANE Select); coding-DNA position 106, C replaced by T.
Protein change: p.Arg36Ter; replaces arginine 36 with a stop codon.
Molecular consequence: nonsense.
Genome position (GRCh38, 1-based): chr7:33,109,267, G>A on the plus strand (C>T on the coding strand, the complement: RP9 is on the minus strand). VCF-style: chr7-33109267-G-A. GRCh37 (hg19) VCF-style: chr7-33148879-G-A.
Other names: short protein forms R36*.
Identifiers: ClinVar variation 1986208 (VCV001986208.4), dbSNP rs1351545042, ClinGen allele CA367185271.

ClinVar aggregate classification (germline): Uncertain significance (1 of 4 stars; one submission).

Submission:

Labcorp Genetics (formerly Invitae), Labcorp
Classification: Uncertain significance. Last evaluated: 2024-11-01. Review status: criteria provided, single submitter. Criteria: Invitae Variant Classification Sherloc (09022015). Collection method: clinical testing. Allele origin: germline.
Comment: This sequence change creates a premature translational stop signal (p.Arg36*) in the RP9 gene. It is expected to result in an absent or disrupted protein product. However, the current clinical and genetic evidence is not sufficient to establish whether loss-of-function variants in RP9 cause disease. This variant is not present in population databases (gnomAD no frequency). This variant has not been reported in the literature in individuals affected with RP9-related conditions. ClinVar contains an entry for this variant (Variation ID: 1986208). In summary, the available evidence is currently insufficient to determine the role of this variant in disease. Therefore, it has been classified as a Variant of Uncertain Significance.